The following is an entry in ClinVar:

ClinVar aggregate classification (germline): Uncertain significance (1 of 4 stars; one submission).

Conditions:
Emery-Dreifuss muscular dystrophy (EDMD). Also called: Scapuloperoneal syndrome, X-linked (formerly); Humeroperoneal neuromuscular disease, (formerly). Identifiers: Orphanet 261, MedGen C0410189, MONDO:0016830.

Allele frequency attached by ClinVar (database versions not stated): gnomAD 0.00001; TOPMed 0.00001.
gnomAD v4.1: 6 of 1,613,396 alleles (0.00037%); highest among the groups gnomAD compares: Middle Eastern, 0.016%; no homozygotes.

Submission:

Labcorp Genetics (formerly Invitae), Labcorp
Classification: Uncertain significance for Emery-Dreifuss muscular dystrophy. Last evaluated: 2025-10-18. Review status: criteria provided, single submitter. Criteria: Invitae Variant Classification Sherloc (09022015). Collection method: clinical testing. Allele origin: germline.
Comment: This sequence change replaces arginine, which is basic and polar, with cysteine, which is neutral and slightly polar, at codon 434 of the SUN1 protein (p.Arg434Cys). This variant is not present in population databases (gnomAD no frequency). This variant has not been reported in the literature in individuals affected with SUN1-related conditions. ClinVar contains an entry for this variant (Variation ID: 1934918). An algorithm developed to predict the effect of missense changes on protein structure and function (PolyPhen-2) suggests that this variant is likely to be disruptive. In summary, the available evidence is currently insufficient to determine the role of this variant in disease. Therefore, it has been classified as a Variant of Uncertain Significance.

NM_001130965.3(SUN1):c.1300C>T (p.Arg434Cys)

Gene: SUN1 (Sad1 and UNC84 domain containing 1; plus strand). Cytogenetic location: 7p22.3.
Variant type: single nucleotide variant.
Coding change: c.1300C>T on transcript NM_001130965.3 (MANE Select); coding-DNA position 1300, C replaced by T.
Protein change: p.Arg434Cys; replaces arginine 434 with cysteine.
Molecular consequence: missense variant. On other transcripts: non-coding transcript variant (3).
Genome position (GRCh38, 1-based): chr7:854,956, C>T. VCF-style: chr7-854956-C-T. GRCh37 (hg19) VCF-style: chr7-894593-C-T.
Other names: c.1231C>T, p.Arg411Cys (NM_001367644.1); c.1261C>T, p.Arg421Cys (NM_001367645.1, NM_001367667.1, NM_001367689.1); c.1429C>T, p.Arg477Cys (NM_001367646.1, NM_001367707.1); c.1342C>T, p.Arg448Cys (NM_001367647.1, NM_001367668.1); c.1162C>T, p.Arg388Cys (NM_001367648.1); c.1345C>T, p.Arg449Cys (NM_001367649.1); c.1714C>T, p.Arg572Cys (NM_001367651.1); c.1300C>T, p.Arg434Cys (NM_001367653.1, NM_001367633.1, NM_001367634.1); and 43 more; short protein forms R373C, R384C, R420C, R429C, R461C, R477C, R528C, R531C.
Identifiers: ClinVar variation 1934918 (VCV001934918.5), dbSNP rs1193306641, ClinGen allele CA366532221.